The following is an entry in ClinVar:

ClinVar aggregate classification (germline): Uncertain significance. Review status: criteria provided, multiple submitters, no conflicts (2 of 4 stars). 2 submissions from 2 submitters: Uncertain significance (2). Last evaluated 2024-05-30.

Allele frequency attached by ClinVar (database versions not stated): gnomAD exomes 0.00003; ExAC 0.00006; 1000 Genomes Project 30x 0.00016; 1000 Genomes Project 0.00020; gnomAD 0.00028 and 0.00031; TOPMed 0.00036; ESP Exome Variant Server 0.00069.
gnomAD v4.1: 82 of 1,614,168 alleles (0.0051%); highest among the groups gnomAD compares: African/African-American, 0.1%; 1 homozygote.

Submissions (2):

Ambry Genetics
Classification: Uncertain significance. Last evaluated: 2024-05-30. Review status: criteria provided, single submitter. Criteria: Ambry Variant Classification Scheme 2023. Collection method: clinical testing. Allele origin: germline.

ARUP Laboratories, Molecular Genetics and Genomics, ARUP Laboratories
Classification: Uncertain significance. Last evaluated: 2019-03-08. Review status: criteria provided, single submitter. Criteria: ARUP Molecular Germline Variant Investigation Process. Collection method: clinical testing. Allele origin: germline.
Comment: The p.Gln161Glu variant (rs34745955) has not been reported in the medical literature, is not listed in gene-specific variant databases, nor has it been previously identified in our laboratory. It is listed in the NHLBI GO Exome Sequencing Project (ESP) with an overall allele frequency of 0.07% (identified in 9 out of 13,006 chromosomes), and in the Exome Aggregation Consortium (ExAC) browser with an overall frequency of 0.006% (identified in 7 out of 121,394 chromosomes). The glutamine at codon 161 is moderately conserved considering 13 species (Alamut software v2.8.1), and computational analyses return mixed results regarding the effect of this variant on PPM1B protein structure/function (SIFT: tolerated, PolyPhen2: benign, and Mutation Taster: disease causing). Thus, based on the available information, the clinical significance of the p.Gln161Glu variant cannot be determined with certainty.

NM_002706.6(PPM1B):c.481C>G (p.Gln161Glu)

Gene: PPM1B (protein phosphatase, Mg2+/Mn2+ dependent 1B; plus strand). Cytogenetic location: 2p21.
Variant type: single nucleotide variant.
Coding change: c.481C>G on transcript NM_002706.6 (MANE Select); coding-DNA position 481, C replaced by G.
Protein change: p.Gln161Glu; replaces glutamine 161 with glutamic acid.
Molecular consequence: missense variant. On other transcripts: intron variant (1).
Genome position (GRCh38, 1-based): chr2:44,201,680, C>G. VCF-style: chr2-44201680-C-G. GRCh37 (hg19) VCF-style: chr2-44428819-C-G.
Other names: c.481C>G, p.Gln161Glu (NM_001033557.3, NM_177968.4); c.-15-7530C>G (NM_177969.4); c.481C>G (NM_002706.4); short protein forms Q161E.
Identifiers: ClinVar variation 810944 (VCV000810944.11), dbSNP rs34745955, ClinGen allele CA1639572.